The following is an entry in ClinVar:

NM_001010867.4(IBA57):c.134G>C (p.Gly45Ala)

Gene: IBA57 (iron-sulfur cluster assembly factor IBA57; plus strand). Cytogenetic location: 1q42.13.
Variant type: single nucleotide variant.
Coding change: c.134G>C on transcript NM_001010867.4 (MANE Select); coding-DNA position 134, G replaced by C.
Protein change: p.Gly45Ala; replaces glycine 45 with alanine.
Molecular consequence: missense variant.
Genome position (GRCh38, 1-based): chr1:228,165,950, G>C. VCF-style: chr1-228165950-G-C. GRCh37 (hg19) VCF-style: chr1-228353651-G-C.
Other names: short protein forms G45A.
Identifiers: ClinVar variation 380039 (VCV000380039.18), dbSNP rs55873785, ClinGen allele CA1431064.

ClinVar aggregate classification (germline): Benign. Review status: criteria provided, multiple submitters, no conflicts (2 of 4 stars). 6 submissions from 5 submitters: Benign (5). 1 of the submissions does not count toward it. Last evaluated 2026-02-03.

Conditions:
Hereditary spastic paraplegia 74. Also called: Spastic paraplegia 74, autosomal recessive. Identifiers: Orphanet 468661, MedGen C5568837, MONDO:0014644, OMIM 616451.
Multiple mitochondrial dysfunctions syndrome 3 (MMDS3). Identifiers: Orphanet 363424, MedGen C3809165, MONDO:0014132, OMIM 615330.

Allele frequency attached by ClinVar (database versions not stated): gnomAD 0.31221 and 0.32055; TOPMed 0.31408; 1000 Genomes Project 30x 0.34744; 1000 Genomes Project 0.35603; gnomAD exomes 0.37016 and 0.37617; ExAC 0.48905.
gnomAD v4.1: 556,449 of 1,501,890 alleles (37%); highest among the groups gnomAD compares: South Asian, 52%; 105,868 homozygotes.

Submissions (6):

Labcorp Genetics (formerly Invitae), Labcorp
Classification: Benign for Multiple mitochondrial dysfunctions syndrome 3; Hereditary spastic paraplegia 74. Last evaluated: 2026-02-03. Review status: criteria provided, single submitter. Criteria: Invitae Variant Classification Sherloc (09022015). Collection method: clinical testing. Allele origin: germline.

Genome-Nilou Lab
Classification: Benign for Hereditary spastic paraplegia 74. Last evaluated: 2021-08-10. Review status: criteria provided, single submitter. Criteria: ACMG Guidelines, 2015. Collection method: clinical testing. Allele origin: germline. Affected: no.

Genome-Nilou Lab
Classification: Benign for Multiple mitochondrial dysfunctions syndrome 3. Last evaluated: 2021-08-10. Review status: criteria provided, single submitter. Criteria: ACMG Guidelines, 2015. Collection method: clinical testing. Allele origin: germline. Affected: no.

GeneDx
Classification: Benign. Last evaluated: 2015-12-04. Review status: criteria provided, single submitter. Criteria: GeneDx Variant Classification (06012015). Collection method: clinical testing. Allele origin: germline. Affected: yes.
Comment: This variant is considered likely benign or benign based on one or more of the following criteria: it is a conservative change, it occurs at a poorly conserved position in the protein, it is predicted to be benign by multiple in silico algorithms, and/or has population frequency not consistent with disease.

Breakthrough Genomics
Classification: Benign. Review status: criteria provided, single submitter. Criteria: ACMG Guidelines, 2015. Collection method: not provided. Allele origin: germline. Inheritance: Autosomal recessive inheritance. Affected: yes.

Mayo Clinic Laboratories, Mayo Clinic
Classification: Benign. Last evaluated: 2016-02-16. Review status: no assertion criteria provided. Collection method: clinical testing. Allele origin: unknown. Not counted in ClinVar's aggregate classification.